The following is an entry in ClinVar:

NM_017617.5(NOTCH1):c.5452C>G (p.Leu1818Val)

Gene: NOTCH1 (notch receptor 1; minus strand). Cytogenetic location: 9q34.3.
Variant type: single nucleotide variant.
Coding change: c.5452C>G on transcript NM_017617.5 (MANE Select); coding-DNA position 5452, C replaced by G.
Protein change: p.Leu1818Val; replaces leucine 1818 with valine.
Molecular consequence: missense variant.
Genome position (GRCh38, 1-based): chr9:136,502,021, G>C on the plus strand (C>G on the coding strand, the complement: NOTCH1 is on the minus strand). VCF-style: chr9-136502021-G-C. GRCh37 (hg19) VCF-style: chr9-139396473-G-C.
Other names: c.5452C>G, p.Leu1818Val (LRG_1122t1); short protein forms L1818V.
Identifiers: ClinVar variation 424467 (VCV000424467.12), dbSNP rs1064796983, ClinGen allele CA16618801.

ClinVar aggregate classification (germline): Uncertain significance. Review status: criteria provided, multiple submitters, no conflicts (2 of 4 stars). 7 submissions from 6 submitters: Uncertain significance (6). 1 of the submissions does not count toward it. Last evaluated 2024-12-22.

Conditions:
Adams-Oliver syndrome 5 (AOS5). Identifiers: Orphanet 974, MedGen C4014970, MONDO:0014459, OMIM 616028.
NOTCH1-related disorder. Also called: NOTCH1-related disorders; NOTCH1-related condition.
Familial thoracic aortic aneurysm and aortic dissection (TAAD). Also called: Thoracic aortic aneurysms and dissections. Identifiers: Orphanet 91387, MedGen C4707243, MONDO:0019625.
Aortic valve disease 1 (AOVD1). Identifiers: MedGen C3887892, MONDO:0024523, OMIM 109730.

Allele frequency attached by ClinVar (database versions not stated): gnomAD exomes below 0.00001; gnomAD 0.00001; TOPMed 0.00001.
gnomAD v4.1: 4 of 1,613,116 alleles (0.00025%); highest among the groups gnomAD compares: Non-Finnish European, 0.00034%; no homozygotes.

Submissions (7):

Labcorp Genetics (formerly Invitae), Labcorp
Classification: Uncertain significance for Adams-Oliver syndrome 5. Last evaluated: 2024-12-22. Review status: criteria provided, single submitter. Criteria: Invitae Variant Classification Sherloc (09022015). Collection method: clinical testing. Allele origin: germline.
Comment: This sequence change replaces leucine, which is neutral and non-polar, with valine, which is neutral and non-polar, at codon 1818 of the NOTCH1 protein (p.Leu1818Val). This variant is not present in population databases (gnomAD no frequency). This missense change has been observed in individual(s) with Adams-Oliver syndrome (PMID: 29924900). ClinVar contains an entry for this variant (Variation ID: 424467). Invitae Evidence Modeling of protein sequence and biophysical properties (such as structural, functional, and spatial information, amino acid conservation, physicochemical variation, residue mobility, and thermodynamic stability) indicates that this missense variant is not expected to disrupt NOTCH1 protein function with a negative predictive value of 80%. In summary, the available evidence is currently insufficient to determine the role of this variant in disease. Therefore, it has been classified as a Variant of Uncertain Significance.

Genome-Nilou Lab
Classification: Uncertain significance for Adams-Oliver syndrome 5. Last evaluated: 2022-03-15. Review status: criteria provided, single submitter. Criteria: ACMG Guidelines, 2015. Collection method: clinical testing. Allele origin: germline. Affected: no.

Genome-Nilou Lab
Classification: Uncertain significance for Aortic valve disease 1. Last evaluated: 2022-03-15. Review status: criteria provided, single submitter. Criteria: ACMG Guidelines, 2015. Collection method: clinical testing. Allele origin: germline. Affected: no.

Centre of Medical Genetics, University of Antwerp
Classification: Uncertain significance for Adams-Oliver syndrome 5. Last evaluated: 2017-12-01. Review status: criteria provided, single submitter. Criteria: Criteria for classifying variants, Center of Medical Genetics Antwerp, 2018. Collection method: research. Allele origin: unknown. Affected: yes.

GeneDx
Classification: Uncertain significance. Last evaluated: 2017-03-20. Review status: criteria provided, single submitter. Criteria: GeneDx Variant Classification (06012015). Collection method: clinical testing. Allele origin: germline. Affected: yes.
Comment: The L1818V variant has not been published as pathogenic or been reported as benign to our knowledge. The L1818V variant is not observed in large population cohorts (Lek et al., 2016; 1000 Genomes Consortium et al., 2015; Exome Variant Server). This substitution occurs at a position that is conserved in mammals. Nevertheless, the L1818V variant is a conservative amino acid substitution, which is not likely to impact secondary protein structure as these residues share similar properties. Lastly, in silico analysis is inconsistent in its predictions as to whether or not the variant is damaging to the protein structure/function.

Ambry Genetics
Classification: Uncertain significance for Familial thoracic aortic aneurysm and aortic dissection. Last evaluated: 2016-04-05. Review status: criteria provided, single submitter. Criteria: Ambry Variant Classification Scheme 2023. Collection method: clinical testing. Allele origin: germline.
Comment: The p.L1818V variant (also known as c.5452C>G), located in coding exon 29 of the NOTCH1 gene, results from a C to G substitution at nucleotide position 5452. The leucine at codon 1818 is replaced by valine, an amino acid with highly similar properties. This variant was not reported in population based cohorts in the following databases: Database of Single Nucleotide Polymorphisms (dbSNP), NHLBI Exome Sequencing Project (ESP), and 1000 Genomes Project. In the ESP, this variant was not observed in 6053 samples (12106 alleles) with coverage at this position. This amino acid position is not well conserved in available vertebrate species. In addition, this alteration is predicted to be tolerated by in silico analysis. Since supporting evidence is limited at this time, the clinical significance of this alteration remains unclear.

PreventionGenetics, part of Exact Sciences
Classification: Uncertain significance for NOTCH1-related condition. Last evaluated: 2023-10-19. Review status: no assertion criteria provided. Collection method: clinical testing. Allele origin: germline. Not counted in ClinVar's aggregate classification.
Comment: The NOTCH1 c.5452C>G variant is predicted to result in the amino acid substitution p.Leu1818Val. To our knowledge, this variant has not been reported in the literature or in a large population database, indicating this variant is rare. At this time, the clinical significance of this variant is uncertain due to the absence of conclusive functional and genetic evidence.

Literature cited by the submitters: PubMed 29924900 (cited by Labcorp Genetics (formerly Invitae), Labcorp and Centre of Medical Genetics, University of Antwerp).